The following is an entry in ClinVar:

ClinVar aggregate classification (germline): Uncertain significance. Review status: reviewed by expert panel (3 of 4 stars). 3 submissions from 3 submitters: Uncertain significance (1). 2 of the submissions do not count toward it. Last evaluated 2020-03-27.

Conditions:
Phenylketonuria (PKU). Also called: Phenylketonuria (PKU); FOLLING DISEASE; OLIGOPHRENIA PHENYLPYRUVICA; Phenylketonurias. Identifiers: Orphanet 716, MedGen C0031485, MONDO:0009861, OMIM 261600. Disease mechanism: loss of function.

Submissions (3):

ClinGen PAH Variant Curation Expert Panel
Classification: Uncertain significance for Phenylketonuria. Last evaluated: 2020-03-27. Review status: reviewed by expert panel. Criteria: ClinGen PAH ACMG Specifications v1. Collection method: curation. Allele origin: germline. Inheritance: Autosomal recessive inheritance.
Comment: The c.1264G>A (p.Glu422Lys) variant in PAH has been reported in 1 individual with PKU (BH4 deficiency excluded; PP4_Moderate; PMID: 31737040). This variant is absent from population databases (PM2). This variant is predicted deleterious by SIFT, PolyPhen2, MutationTaster, and REVEL = 0.96 (PP3). In summary, this variant meets criteria to be classified as uncertain significance for PAH. PAH-specific ACMG/AMP criteria applied: PP4_Moderate, PM2, PP3.

Labcorp Genetics (formerly Invitae), Labcorp
Classification: Uncertain significance for Phenylketonuria. Last evaluated: 2022-09-28. Review status: criteria provided, single submitter. Criteria: Invitae Variant Classification Sherloc (09022015). Collection method: clinical testing. Allele origin: germline. Not counted in ClinVar's aggregate classification.
Comment: This sequence change replaces glutamic acid, which is acidic and polar, with lysine, which is basic and polar, at codon 422 of the PAH protein (p.Glu422Lys). In summary, the available evidence is currently insufficient to determine the role of this variant in disease. Therefore, it has been classified as a Variant of Uncertain Significance. Advanced modeling of protein sequence and biophysical properties (such as structural, functional, and spatial information, amino acid conservation, physicochemical variation, residue mobility, and thermodynamic stability) performed at Invitae indicates that this missense variant is not expected to disrupt PAH protein function. ClinVar contains an entry for this variant (Variation ID: 102583). This missense change has been observed in individual(s) with phenylketonuria (PMID: 10541324, 31737040; Invitae). In at least one individual the data is consistent with being in trans (on the opposite chromosome) from a pathogenic variant. This variant is not present in population databases (gnomAD no frequency).

DeBelle Laboratory for Biochemical Genetics, MUHC/MCH RESEARCH INSTITUTE
No classification provided. Review status: no classification provided. Collection method: not provided. Allele origin: not provided. Not counted in ClinVar's aggregate classification.

Literature cited by the submitters: PubMed 31737040 (cited by ClinGen PAH Variant Curation Expert Panel and Labcorp Genetics (formerly Invitae), Labcorp); PubMed 10541324 (cited by ClinGen PAH Variant Curation Expert Panel and Labcorp Genetics (formerly Invitae), Labcorp).

NM_000277.3(PAH):c.1264G>A (p.Glu422Lys)

Gene: PAH (phenylalanine hydroxylase; minus strand). Cytogenetic location: 12q23.2.
Variant type: single nucleotide variant.
Coding change: c.1264G>A on transcript NM_000277.3 (MANE Select); coding-DNA position 1264, G replaced by A.
Protein change: p.Glu422Lys; replaces glutamic acid 422 with lysine.
Molecular consequence: missense variant.
Genome position (GRCh38, 1-based): chr12:102,840,451, C>T on the plus strand (G>A on the coding strand, the complement: PAH is on the minus strand). VCF-style: chr12-102840451-C-T. GRCh37 (hg19) VCF-style: chr12-103234229-C-T.
Other names: c.1264G>A, p.Glu422Lys (NM_001354304.2); short protein forms E422K.
Identifiers: ClinVar variation 102583 (VCV000102583.6), dbSNP rs199475621, ClinGen allele CA229422.